The following is an entry in ClinVar:

NM_001365902.3(NFIX):c.230C>G (p.Ala77Gly)

Gene: NFIX (nuclear factor I X; plus strand). Cytogenetic location: 19p13.13.
Variant type: single nucleotide variant.
Coding change: c.230C>G on transcript NM_001365902.3 (MANE Select); coding-DNA position 230, C replaced by G.
Protein change: p.Ala77Gly; replaces alanine 77 with glycine.
Molecular consequence: missense variant.
Genome position (GRCh38, 1-based): chr19:13,025,223, C>G. VCF-style: chr19-13025223-C-G. GRCh37 (hg19) VCF-style: chr19-13136037-C-G.
Other names: c.254C>G, p.Ala85Gly (NM_001271043.2); c.206C>G, p.Ala69Gly (NM_001271044.3, NM_001378404.1); c.230C>G, p.Ala77Gly (NM_001365982.2, NM_002501.4); c.89C>G, p.Ala30Gly (NM_001365983.2); c.227C>G, p.Ala76Gly (NM_001365984.2, NM_001365985.2); c.278C>G, p.Ala93Gly (NM_001378405.1); short protein forms A30G, A77G, A85G, A69G, A76G, A93G.
Identifiers: ClinVar variation 2951601 (VCV002951601.3), dbSNP rs2013237448, ClinGen allele CA404313816.
Genomic context (GRCh38, chr19:13,025,223, plus strand): 5'-AGGACGAGCTGCTGGGCGAGAAGCCCGAGATCAAGCAGAAGTGGGCATCCCGGCTGCTGG[C>G]CAAGCTGCGCAAGGACATCCGGCCCGAGTTCCGCGAGGACTTCGTGCTGACCATCACGGG-3'
Protein context (NP_001352831.1, residues 67-87): IKQKWASRLL[Ala77Gly]KLRKDIRPEF

ClinVar aggregate classification (germline): Uncertain significance (1 of 4 stars; one submission).

Conditions:
Malan overgrowth syndrome (MALNS). Also called: MALAN SYNDROME; NFIX-Related Malan Syndrome; Sotos syndrome 2. Identifiers: Orphanet 420179, MedGen C3553660, MONDO:0013885, OMIM 614753.
Marshall-Smith syndrome (MRSHSS). Identifiers: Orphanet 561, MedGen C0265211, MONDO:0011244, OMIM 602535.

Allele frequency attached by ClinVar (database versions not stated): gnomAD exomes below 0.00001; TOPMed below 0.00001.
gnomAD v4.1: 3 of 1,614,170 alleles (0.00019%); highest among the groups gnomAD compares: African/African-American, 0.0013%; no homozygotes.

Submission:

Labcorp Genetics (formerly Invitae), Labcorp
Classification: Uncertain significance for Malan overgrowth syndrome; Marshall-Smith syndrome. Last evaluated: 2023-09-04. Review status: criteria provided, single submitter. Criteria: Invitae Variant Classification Sherloc (09022015). Collection method: clinical testing. Allele origin: germline.
Comment: In summary, the available evidence is currently insufficient to determine the role of this variant in disease. Therefore, it has been classified as a Variant of Uncertain Significance. Experimental studies and prediction algorithms are not available or were not evaluated, and the functional significance of this variant is currently unknown. This variant has not been reported in the literature in individuals affected with NFIX-related conditions. This variant is not present in population databases (gnomAD no frequency). This sequence change replaces alanine, which is neutral and non-polar, with glycine, which is neutral and non-polar, at codon 85 of the NFIX protein (p.Ala85Gly).